The following is an entry in ClinVar:

NM_017633.3(TENT5A):c.976T>C (p.Phe326Leu)

Gene: TENT5A (terminal nucleotidyltransferase 5A; minus strand). Cytogenetic location: 6q14.1.
Variant type: single nucleotide variant.
Coding change: c.976T>C on transcript NM_017633.3 (MANE Select); coding-DNA position 976, T replaced by C.
Protein change: p.Phe326Leu; replaces phenylalanine 326 with leucine.
Molecular consequence: missense variant.
Genome position (GRCh38, 1-based): chr6:81,750,048, A>G on the plus strand (T>C on the coding strand, the complement: TENT5A is on the minus strand). VCF-style: chr6-81750048-A-G. GRCh37 (hg19) VCF-style: chr6-82459765-A-G.
Other names: short protein forms F326L.
Identifiers: ClinVar variation 2022600 (VCV002022600.4), dbSNP rs2481777604, ClinGen allele CA365032683.

ClinVar aggregate classification (germline): Uncertain significance (1 of 4 stars; one submission).

Submission:

Labcorp Genetics (formerly Invitae), Labcorp
Classification: Uncertain significance. Last evaluated: 2024-05-06. Review status: criteria provided, single submitter. Criteria: Invitae Variant Classification Sherloc (09022015). Collection method: clinical testing. Allele origin: germline.
Comment: This sequence change replaces phenylalanine, which is neutral and non-polar, with leucine, which is neutral and non-polar, at codon 326 of the FAM46A protein (p.Phe326Leu). This variant is not present in population databases (gnomAD no frequency). This variant has not been reported in the literature in individuals affected with FAM46A-related conditions. ClinVar contains an entry for this variant (Variation ID: 2022600). Advanced modeling of protein sequence and biophysical properties (such as structural, functional, and spatial information, amino acid conservation, physicochemical variation, residue mobility, and thermodynamic stability) has been performed at Invitae for this missense variant, however the output from this modeling did not meet the statistical confidence thresholds required to predict the impact of this variant on FAM46A protein function. In summary, the available evidence is currently insufficient to determine the role of this variant in disease. Therefore, it has been classified as a Variant of Uncertain Significance.